The following is an entry in ClinVar:

NM_001105206.3(LAMA4):c.4111A>C (p.Ile1371Leu)

Gene: LAMA4 (laminin subunit alpha 4; minus strand). Cytogenetic location: 6q21.
Variant type: single nucleotide variant.
Coding change: c.4111A>C on transcript NM_001105206.3 (MANE Select); coding-DNA position 4111, A replaced by C.
Protein change: p.Ile1371Leu; replaces isoleucine 1371 with leucine.
Molecular consequence: missense variant.
Genome position (GRCh38, 1-based): chr6:112,129,898, T>G on the plus strand (A>C on the coding strand, the complement: LAMA4 is on the minus strand). VCF-style: chr6-112129898-T-G. GRCh37 (hg19) VCF-style: chr6-112451100-T-G.
Other names: c.4090A>C (LRG_433t2); c.4090A>C, p.Ile1364Leu (NM_001105207.3, NM_002290.5); short protein forms I1364L, I1371L.
Identifiers: ClinVar variation 387395 (VCV000387395.23), dbSNP rs974775253, ClinGen allele CA16605437.

ClinVar aggregate classification (germline): Uncertain significance. Review status: criteria provided, multiple submitters, no conflicts (2 of 4 stars). 5 submissions from 5 submitters: Uncertain significance (5). Last evaluated 2025-12-01.

Conditions:
Cardiovascular phenotype. Identifiers: MedGen CN230736.
Cardiomyopathy (CMYO). Also called: Cardiomyopathies. Identifiers: Orphanet 167848, MedGen C0878544, MONDO:0004994, HP:0001638. Inheritance: Various modes of inheritance.
Dilated cardiomyopathy 1JJ (CMD1JJ). Identifiers: Orphanet 154, MedGen C3808935, MONDO:0014095, OMIM 615235.

Allele frequency attached by ClinVar (database versions not stated): gnomAD 0.00001; gnomAD exomes 0.00001; TOPMed 0.00002.
gnomAD v4.1: 54 of 1,609,136 alleles (0.0034%); highest among the groups gnomAD compares: Non-Finnish European, 0.0044%; no homozygotes.

Submissions (5):

Ambry Genetics
Classification: Uncertain significance for Cardiovascular phenotype. Last evaluated: 2025-12-01. Review status: criteria provided, single submitter. Criteria: Ambry Variant Classification Scheme 2023. Collection method: clinical testing. Allele origin: germline.
Comment: The p.I1364L variant (also known as c.4090A>C), located in coding exon 29 of the LAMA4 gene, results from an A to C substitution at nucleotide position 4090. The isoleucine at codon 1364 is replaced by leucine, an amino acid with highly similar properties. This amino acid position is conserved. In addition, this alteration is predicted to be deleterious by in silico analysis. Since supporting evidence is limited at this time, the clinical significance of this alteration remains unclear.

Labcorp Genetics (formerly Invitae), Labcorp
Classification: Uncertain significance for Dilated cardiomyopathy 1JJ. Last evaluated: 2024-05-07. Review status: criteria provided, single submitter. Criteria: Invitae Variant Classification Sherloc (09022015). Collection method: clinical testing. Allele origin: germline.
Comment: This sequence change replaces isoleucine, which is neutral and non-polar, with leucine, which is neutral and non-polar, at codon 1364 of the LAMA4 protein (p.Ile1364Leu). This variant is present in population databases (no rsID available, gnomAD 0.004%). This variant has not been reported in the literature in individuals affected with LAMA4-related conditions. ClinVar contains an entry for this variant (Variation ID: 387395). An algorithm developed to predict the effect of missense changes on protein structure and function (PolyPhen-2) suggests that this variant is likely to be disruptive. In summary, the available evidence is currently insufficient to determine the role of this variant in disease. Therefore, it has been classified as a Variant of Uncertain Significance.

GeneDx
Classification: Uncertain significance. Last evaluated: 2020-01-31. Review status: criteria provided, single submitter. Criteria: GeneDx Variant Classification Process June 2021. Collection method: clinical testing. Allele origin: germline. Affected: yes.
Comment: Not observed at a significant frequency in large population cohorts (Lek et al., 2016); In silico analysis supports that this missense variant does not alter protein structure/function; Has not been previously published as pathogenic or benign to our knowledge

ARUP Laboratories, Molecular Genetics and Genomics, ARUP Laboratories
Classification: Uncertain significance for Dilated cardiomyopathy 1JJ. Last evaluated: 2019-02-19. Review status: criteria provided, single submitter. Criteria: ARUP Molecular Germline Variant Investigation Process. Collection method: clinical testing. Allele origin: germline.
Comment: The p.Ile1364Leu variant (rs974775253) has not been reported in the medical literature, gene specific variation databases, nor has it been previously identified by our laboratory. This variant is listed in the Genome Aggregation Database (gnomAD) with an overall population frequency of 0.0007 percent (identified on 2 out of 269,746 chromosomes) and has been reported to the ClinVar database (Variation ID: 387395). The isoleucine at position 1364 is highly conserved and computational analyses of the effects of the p.Ile1364Leu variant on protein structure and function is deleterious (SIFT: damaging, PolyPhen-2: probably damaging). Altogether, there is not enough evidence to classify the p.Ile1364Leu variant with certainty.

CHEO Genetics Diagnostic Laboratory, Children's Hospital of Eastern Ontario
Classification: Uncertain significance for Cardiomyopathy. Last evaluated: 2018-02-06. Review status: criteria provided, single submitter. Criteria: ACMG Guidelines, 2015. Collection method: clinical testing. Allele origin: germline.